The following is an entry in ClinVar:

ClinVar aggregate classification (germline): Uncertain significance (1 of 4 stars; one submission).

Conditions:
Cardiovascular phenotype. Identifiers: MedGen CN230736.

gnomAD v4.1: 5 of 1,613,874 alleles (0.00031%); highest among the groups gnomAD compares: Middle Eastern, 0.033%; no homozygotes.

Submission:

Ambry Genetics
Classification: Uncertain significance for Cardiovascular phenotype. Last evaluated: 2022-04-25. Review status: criteria provided, single submitter. Criteria: Ambry Variant Classification Scheme 2023. Collection method: clinical testing. Allele origin: germline.
Comment: The p.G1017R variant (also known as c.3049G>A), located in coding exon 6 of the ALPK3 gene, results from a G to A substitution at nucleotide position 3049. The glycine at codon 1017 is replaced by arginine, an amino acid with dissimilar properties. This amino acid position is conserved. In addition, this alteration is predicted to be tolerated by in silico analysis. Since supporting evidence is limited at this time, the clinical significance of this alteration remains unclear.

NM_020778.5(ALPK3):c.2443G>A (p.Gly815Arg)

Gene: ALPK3 (alpha kinase 3; plus strand). Cytogenetic location: 15q25.3.
Variant type: single nucleotide variant.
Coding change: c.2443G>A on transcript NM_020778.5 (MANE Select); coding-DNA position 2443, G replaced by A.
Protein change: p.Gly815Arg; replaces glycine 815 with arginine.
Molecular consequence: missense variant.
Genome position (GRCh38, 1-based): chr15:84,857,181, G>A. VCF-style: chr15-84857181-G-A. GRCh37 (hg19) VCF-style: chr15-85400412-G-A.
Other names: short protein forms G815R.
Identifiers: ClinVar variation 1799220 (VCV001799220.2), dbSNP rs2505720234, ClinGen allele CA393357170.